The following is an entry in ClinVar:

ClinVar aggregate classification (germline): Likely pathogenic (1 of 4 stars; one submission).

Submission:

Athena Diagnostics
Classification: Likely pathogenic. Last evaluated: 2020-02-03. Review status: criteria provided, single submitter. Criteria: Athena Diagnostics Criteria. Collection method: clinical testing. Allele origin: unknown.
Comment: The variant results in a shift of the reading frame, and is therefore predicted to result in the loss of a functional protein. Not found in the total gnomAD dataset.

NM_014946.4(SPAST):c.405_409dup (p.Glu137fs)

Gene: SPAST (spastin; plus strand). Cytogenetic location: 2p22.3.
Variant type: Duplication.
Coding change: c.405_409dup on transcript NM_014946.4 (MANE Select); coding-DNA positions 405 to 409, 5 bases duplicated (GGATG; older notation c.405_409dupGGATG).
Protein change: p.Glu137fs; shifts the reading frame from glutamic acid 137.
Molecular consequence: frameshift variant.
Genome position (GRCh38, 1-based): chr2:32,064,236-32,064,240, GGATG duplicated. VCF-style (leftmost placement, unchanged base first): chr2-32064235-A-AGGATG. GRCh37 (hg19) VCF-style: chr2-32289304-A-AGGATG.
Other names: c.405_409dup, p.Glu137fs (NM_001363823.2, NM_001363875.2, NM_001377959.1 and 1 more transcripts); short protein forms E137fs.
Identifiers: ClinVar variation 994984 (VCV000994984.1), dbSNP rs1676417081, ClinGen allele CA1139656845.